The following is an entry in ClinVar:

NM_006445.4(PRPF8):c.35_49dup (p.Gly16_Pro17insHisProValProGly)

Gene: PRPF8 (pre-mRNA processing factor 8; minus strand). Cytogenetic location: 17p13.3.
Variant type: Duplication.
Coding change: c.35_49dup on transcript NM_006445.4 (MANE Select); coding-DNA positions 35 to 49, 15 bases duplicated (ACCCGGTGCCTGGCC).
Protein change: p.Gly16_Pro17insHisProValProGly.
Molecular consequence: inframe insertion.
Genome position (GRCh38, 1-based): chr17:1,684,523-1,684,537, GGCCAGGCACCGGGT duplicated on the plus strand (ACCCGGTGCCTGGCC on the coding strand, the reverse complement: PRPF8 is on the minus strand). VCF-style (leftmost placement, unchanged base first): chr17-1684522-G-GGGCCAGGCACCGGGT. GRCh37 (hg19) VCF-style: chr17-1587816-G-GGGCCAGGCACCGGGT.
Identifiers: ClinVar variation 2072818 (VCV002072818.4), dbSNP rs2543790675, ClinGen allele CA2580092436.

ClinVar aggregate classification (germline): Uncertain significance (1 of 4 stars; one submission).

Submission:

Labcorp Genetics (formerly Invitae), Labcorp
Classification: Uncertain significance. Last evaluated: 2022-07-12. Review status: criteria provided, single submitter. Criteria: Invitae Variant Classification Sherloc (09022015). Collection method: clinical testing. Allele origin: germline.
Comment: This variant is not present in population databases (gnomAD no frequency). This variant, c.35_49dup, results in the insertion of 5 amino acid(s) of the PRPF8 protein (p.Gly16_Pro17insHisProValProGly), but otherwise preserves the integrity of the reading frame. This variant has been observed in individual(s) with PRPF8-related conditions (Invitae). In summary, the available evidence is currently insufficient to determine the role of this variant in disease. Therefore, it has been classified as a Variant of Uncertain Significance. Algorithms developed to predict the effect of sequence changes on RNA splicing suggest that this variant may create or strengthen a splice site.